The following is an entry in ClinVar:

NM_006009.4(TUBA1A):c.344T>C (p.Ile115Thr)

Gene: TUBA1A (tubulin alpha 1a; minus strand). Cytogenetic location: 12q13.12.
Variant type: single nucleotide variant.
Coding change: c.344T>C on transcript NM_006009.4 (MANE Select); coding-DNA position 344, T replaced by C.
Protein change: p.Ile115Thr; replaces isoleucine 115 with threonine.
Molecular consequence: missense variant.
Genome position (GRCh38, 1-based): chr12:49,186,341, A>G on the plus strand (T>C on the coding strand, the complement: TUBA1A is on the minus strand). VCF-style: chr12-49186341-A-G. GRCh37 (hg19) VCF-style: chr12-49580124-A-G.
Other names: c.344T>C, p.Ile115Thr (NM_001270399.2); c.239T>C, p.Ile80Thr (NM_001270400.2); c.344T>C (NM_006009.3); short protein forms I115T, I80T.
Identifiers: ClinVar variation 426626 (VCV000426626.10), dbSNP rs1085307716, ClinGen allele CA384643135.

ClinVar aggregate classification (germline): Pathogenic/Likely pathogenic. Review status: criteria provided, multiple submitters, no conflicts (2 of 4 stars). 4 submissions from 4 submitters: Pathogenic (1); Likely pathogenic (2). 1 of the submissions does not count toward it. Last evaluated 2025-10-13.

Conditions:
Inborn genetic diseases. Identifiers: MedGen C0950123, MeSH D030342.
TUBA1A-related disorder. Also called: TUBA1A-related condition.

Submissions (4):

Dasa
Classification: Likely pathogenic. Last evaluated: 2025-10-13. Review status: criteria provided, single submitter. Criteria: DASA Assertion Criteria. Collection method: clinical testing. Allele origin: germline.
Comment: NM_006009.4(TUBA1A):c.344T>C (p.Ile115Thr) is a missense variant that results in the substitution of isoleucine with threonine. The affected residue or protein region has prior evidence supporting clinical relevance. De novo occurrence has been reported in an individual with related phenotype. Functional evidence supports a deleterious effect on the gene or gene product. Multiple computational predictions support a deleterious effect on the gene or gene product. The variant is present at low frequency in population datasets. Based on the available data, this variant is classified as likely pathogenic.

GeneDx
Classification: Pathogenic. Last evaluated: 2024-02-04. Review status: criteria provided, single submitter. Criteria: GeneDx Variant Classification Process June 2021. Collection method: clinical testing. Allele origin: germline. Affected: yes.
Comment: Not observed at significant frequency in large population cohorts (gnomAD); Missense variants in this gene are a common cause of disease and they are underrepresented in the general population; In silico analysis supports that this missense variant has a deleterious effect on protein structure/function; Has not been previously published as pathogenic or benign to our knowledge

Ambry Genetics
Classification: Likely pathogenic for Inborn genetic diseases. Last evaluated: 2018-11-08. Review status: criteria provided, single submitter. Criteria: Ambry exome assertion method (8-5-2015). Collection method: clinical testing. Allele origin: germline. Affected: yes. Observed: 2 variant alleles.

PreventionGenetics, part of Exact Sciences
Classification: Uncertain significance for TUBA1A-related condition. Last evaluated: 2024-09-25. Review status: no assertion criteria provided. Collection method: clinical testing. Allele origin: germline. Not counted in ClinVar's aggregate classification.
Comment: The TUBA1A c.344T>C variant is predicted to result in the amino acid substitution p.Ile115Thr. To our knowledge, this variant has not been reported in the literature or in a large population database, indicating this variant is rare. At this time, the clinical significance of this variant is uncertain due to the absence of conclusive functional and genetic evidence.